The following is an entry in ClinVar:

NM_012479.4(YWHAG):c.682G>A (p.Asp228Asn)

Gene: YWHAG (tyrosine 3-monooxygenase/tryptophan 5-monooxygenase activation protein gamma; minus strand). Cytogenetic location: 7q11.23.
Variant type: single nucleotide variant.
Coding change: c.682G>A on transcript NM_012479.4 (MANE Select); coding-DNA position 682, G replaced by A.
Protein change: p.Asp228Asn; replaces aspartic acid 228 with asparagine.
Molecular consequence: missense variant.
Genome position (GRCh38, 1-based): chr7:76,329,639, C>T on the plus strand (G>A on the coding strand, the complement: YWHAG is on the minus strand). VCF-style: chr7-76329639-C-T. GRCh37 (hg19) VCF-style: chr7-75958956-C-T.
Other names: short protein forms D228N.
Identifiers: ClinVar variation 1312189 (VCV001312189.3), dbSNP rs2115587401, ClinGen allele CA367776086.

ClinVar aggregate classification (germline): Likely pathogenic (1 of 4 stars; one submission).

Submission:

GeneDx
Classification: Likely pathogenic. Last evaluated: 2022-06-02. Review status: criteria provided, single submitter. Criteria: GeneDx Variant Classification Process June 2021. Collection method: clinical testing. Allele origin: germline. Affected: yes.
Comment: Not observed at significant frequency in large population cohorts (gnomAD); In silico analysis, which includes protein predictors and evolutionary conservation, supports a deleterious effect; Has not been previously published as pathogenic or benign to our knowledge